The following is an entry in ClinVar:

NM_004174.4(SLC9A3):c.2157C>G (p.Asp719Glu)

Genes: SLC9A3 (solute carrier family 9 member A3), SLC9A3-AS1 (SLC9A3 antisense RNA 1; plus strand). Cytogenetic location: 5p15.33.
Variant type: single nucleotide variant.
Coding change: c.2157C>G on transcript NM_004174.4 (MANE Select); coding-DNA position 2157, C replaced by G.
Protein change: p.Asp719Glu; replaces aspartic acid 719 with glutamic acid.
Molecular consequence: missense variant.
Genome position (GRCh38, 1-based): chr5:475,655, G>C on the plus strand (C>G on the coding strand, the complement: SLC9A3 is on the minus strand). VCF-style: chr5-475655-G-C. GRCh37 (hg19) VCF-style: chr5-475770-G-C.
Other names: c.2130C>G, p.Asp710Glu (NM_001284351.3); short protein forms D710E, D719E.
Identifiers: ClinVar variation 1382490 (VCV001382490.5), dbSNP rs377080845, ClinGen allele CA3175536.

ClinVar aggregate classification (germline): Uncertain significance (1 of 4 stars; one submission).

Allele frequency attached by ClinVar (database versions not stated): ExAC 0.00005; gnomAD exomes 0.00006; ESP Exome Variant Server 0.00008; gnomAD 0.00017 and 0.00018; TOPMed 0.00017.
gnomAD v4.1: 37 of 1,550,064 alleles (0.0024%); highest among the groups gnomAD compares: Admixed American, 0.071%; no homozygotes.

Submission:

Labcorp Genetics (formerly Invitae), Labcorp
Classification: Uncertain significance. Last evaluated: 2022-09-01. Review status: criteria provided, single submitter. Criteria: Invitae Variant Classification Sherloc (09022015). Collection method: clinical testing. Allele origin: germline.
Comment: This sequence change replaces aspartic acid with glutamic acid at codon 719 of the SLC9A3 protein (p.Asp719Glu). The aspartic acid residue is weakly conserved and there is a small physicochemical difference between aspartic acid and glutamic acid. This variant is present in population databases (rs377080845, gnomAD 0.04%). This variant has not been reported in the literature in individuals affected with SLC9A3-related conditions. ClinVar contains an entry for this variant (Variation ID: 1382490). Algorithms developed to predict the effect of missense changes on protein structure and function output the following: SIFT: "Not Available"; PolyPhen-2: "Benign"; Align-GVGD: "Not Available". The glutamic acid amino acid residue is found in multiple mammalian species, which suggests that this missense change does not adversely affect protein function. In summary, the available evidence is currently insufficient to determine the role of this variant in disease. Therefore, it has been classified as a Variant of Uncertain Significance.